The following is an entry in ClinVar:

NM_138694.4(PKHD1):c.2088G>A (p.Glu696=)

Gene: PKHD1 (PKHD1 ciliary IPT domain containing fibrocystin/polyductin; minus strand). Cytogenetic location: 6p12.2.
Variant type: single nucleotide variant.
Coding change: c.2088G>A on transcript NM_138694.4 (MANE Select); coding-DNA position 2088, G replaced by A.
Protein change: p.Glu696=; no amino-acid change (glutamic acid 696 retained).
Molecular consequence: synonymous variant.
Genome position (GRCh38, 1-based): chr6:52,053,128, C>T on the plus strand (G>A on the coding strand, the complement: PKHD1 is on the minus strand). VCF-style: chr6-52053128-C-T. GRCh37 (hg19) VCF-style: chr6-51917926-C-T.
Other names: c.2088G>A, p.Glu696= (NM_170724.3).
Identifiers: ClinVar variation 5040312 (VCV005040312.1).

ClinVar aggregate classification (germline): Likely benign (1 of 4 stars; one submission).

Submission:

CeGaT Center for Human Genetics Tuebingen
Classification: Likely benign. Last evaluated: 2026-07-01. Review status: criteria provided, single submitter. Criteria: CeGaT Center For Human Genetics Tuebingen Variant Classification Criteria Version 2. Collection method: clinical testing. Allele origin: germline. Affected: yes. Observed: 1 variant allele.
Comment: PKHD1: PM2:Supporting, BP4, BP7